The following is an entry in ClinVar:

NM_001134771.2(SLC12A5):c.78T>C (p.His26=)

Genes: SLC12A5 (solute carrier family 12 member 5; plus strand), SLC12A5-AS1 (SLC12A5 and MMP9 antisense RNA 1; minus strand), LOC130065980 (ATAC-STARR-seq lymphoblastoid silent region 12971; plus strand). Cytogenetic location: 20q13.12.
Variant type: single nucleotide variant.
Coding change: c.78T>C on transcript NM_001134771.2; coding-DNA position 78, T replaced by C.
Protein change: p.His26=; no amino-acid change (histidine 26 retained).
Molecular consequence: synonymous variant. On other transcripts: non-coding transcript variant (1).
Genome position (GRCh38, 1-based): chr20:46,021,843, T>C. VCF-style: chr20-46021843-T-C. GRCh37 (hg19) VCF-style: chr20-44650482-T-C.
Identifiers: ClinVar variation 4945188 (VCV004945188.2).

ClinVar aggregate classification (germline): Likely benign. Review status: criteria provided, multiple submitters, no conflicts (2 of 4 stars). 2 submissions from 2 submitters: Likely benign (2). Last evaluated 2025-05-12.

Conditions:
SLC12A5-related disorder. Also called: SLC12A5-related condition.

gnomAD v4.1: 212 of 1,533,060 alleles (0.014%); highest among the groups gnomAD compares: Non-Finnish European, 0.018%; no homozygotes.

Submissions (2):

PreventionGenetics, part of Exact Sciences
Classification: Likely benign for SLC12A5-related condition. Last evaluated: 2025-05-12. Review status: criteria provided, single submitter. Criteria: ACMG Guidelines, 2015. Collection method: clinical testing. Allele origin: germline.
Comment: This variant is classified as likely benign based on ACMG/AMP sequence variant interpretation guidelines (Richards et al. 2015 PMID: 25741868, with internal and published modifications).

Blueprint Genetics
Classification: Likely benign. Last evaluated: 2024-10-28. Review status: criteria provided, single submitter. Criteria: ACMG Guidelines, 2015. Collection method: clinical testing. Allele origin: germline.